The following is an entry in ClinVar:

NM_015310.4(PSD3):c.338A>T (p.Asp113Val)

Gene: PSD3 (pleckstrin and Sec7 domain containing 3; minus strand). Cytogenetic location: 8p22.
Variant type: single nucleotide variant.
Coding change: c.338A>T on transcript NM_015310.4 (MANE Select); coding-DNA position 338, A replaced by T.
Protein change: p.Asp113Val; replaces aspartic acid 113 with valine.
Molecular consequence: missense variant.
Genome position (GRCh38, 1-based): chr8:18,872,526, T>A on the plus strand (A>T on the coding strand, the complement: PSD3 is on the minus strand). VCF-style: chr8-18872526-T-A. GRCh37 (hg19) VCF-style: chr8-18730036-T-A.
Other names: c.239A>T, p.Asp80Val (NM_001362819.2); short protein forms D80V, D113V.
Identifiers: ClinVar variation 713792 (VCV000713792.5), dbSNP rs201964200, ClinGen allele CA4652782.

ClinVar aggregate classification (germline): Likely benign. Review status: criteria provided, single submitter (1 of 4 stars). 2 submissions from 2 submitters: Likely benign (1). 1 of the submissions does not count toward it. Last evaluated 2018-06-10.

Conditions:
PSD3-related disorder. Also called: PSD3-related condition.

Allele frequency attached by ClinVar (database versions not stated): ESP Exome Variant Server 0.00067; gnomAD 0.00081 and 0.00088; TOPMed 0.00084; gnomAD exomes 0.00109 and 0.00121; ExAC 0.00146.
gnomAD v4.1: 1,893 of 1,614,080 alleles (0.12%); highest among the groups gnomAD compares: Non-Finnish European, 0.14%; 3 homozygotes.

Submissions (2):

Labcorp Genetics (formerly Invitae), Labcorp
Classification: Likely benign. Last evaluated: 2018-06-10. Review status: criteria provided, single submitter. Criteria: Invitae Variant Classification Sherloc (09022015). Collection method: clinical testing. Allele origin: germline.

PreventionGenetics, part of Exact Sciences
Classification: Likely benign for PSD3-related condition. Last evaluated: 2022-09-30. Review status: no assertion criteria provided. Collection method: clinical testing. Allele origin: germline. Not counted in ClinVar's aggregate classification.
Comment: This variant is classified as likely benign based on ACMG/AMP sequence variant interpretation guidelines (Richards et al. 2015 PMID: 25741868, with internal and published modifications).